The following is an entry in ClinVar:

NM_014629.4(ARHGEF10):c.2881T>G (p.Ser961Ala)

Gene: ARHGEF10 (Rho guanine nucleotide exchange factor 10; plus strand). Cytogenetic location: 8p23.3.
Variant type: single nucleotide variant.
Coding change: c.2881T>G on transcript NM_014629.4 (MANE Select); coding-DNA position 2881, T replaced by G.
Protein change: p.Ser961Ala; replaces serine 961 with alanine.
Molecular consequence: missense variant.
Genome position (GRCh38, 1-based): chr8:1,928,610, T>G. VCF-style: chr8-1928610-T-G. GRCh37 (hg19) VCF-style: chr8-1876776-T-G.
Other names: c.2767T>G, p.Ser923Ala (NM_001308152.2); c.2881T>G, p.Ser961Ala (NM_001308153.3); short protein forms S923A, S985A, S961A.
Identifiers: ClinVar variation 1347044 (VCV001347044.18), dbSNP rs372954109, ClinGen allele CA4601100.
Genomic context (GRCh38, chr8:1,928,610, plus strand): 5'-GAGGAGAAGCGCAGAGAGCCTGGGGCACCCCCGGACCCCGAGACCCCGGCCGTGAGAGCT[T>G]CTGATGTCCCCACGATCTGTGTAGGGACGGAGGAGGGAAGGTAGGGCATGCTCACTGCGT-3'
Protein context (NP_055444.2, residues 951-971): PDPETPAVRA[Ser961Ala]DVPTICVGTE

ClinVar aggregate classification (germline): Conflicting classifications of pathogenicity. Review status: criteria provided, conflicting classifications (1 of 4 stars). 3 submissions from 3 submitters: Uncertain significance (2); Likely benign (1). Last evaluated 2025-07-01.

Allele frequency attached by ClinVar (database versions not stated): gnomAD exomes 0.00001; ExAC 0.00002; gnomAD 0.00003 and 0.00004; ESP Exome Variant Server 0.00008; TOPMed 0.00009.
gnomAD v4.1: 27 of 1,613,926 alleles (0.0017%); highest among the groups gnomAD compares: Middle Eastern, 0.066%; no homozygotes.

Submissions (3):

CeGaT Center for Human Genetics Tuebingen
Classification: Likely benign. Last evaluated: 2025-07-01. Review status: criteria provided, single submitter. Criteria: CeGaT Center For Human Genetics Tuebingen Variant Classification Criteria Version 2. Collection method: clinical testing. Allele origin: germline. Affected: yes. Observed: 2 variant alleles.
Comment: ARHGEF10: BP4

Labcorp Genetics (formerly Invitae), Labcorp
Classification: Uncertain significance. Last evaluated: 2023-12-09. Review status: criteria provided, single submitter. Criteria: Invitae Variant Classification Sherloc (09022015). Collection method: clinical testing. Allele origin: germline.
Comment: This sequence change replaces serine, which is neutral and polar, with alanine, which is neutral and non-polar, at codon 961 of the ARHGEF10 protein (p.Ser961Ala). This variant is present in population databases (rs372954109, gnomAD 0.007%). This variant has not been reported in the literature in individuals affected with ARHGEF10-related conditions. ClinVar contains an entry for this variant (Variation ID: 1347044). Advanced modeling of protein sequence and biophysical properties (such as structural, functional, and spatial information, amino acid conservation, physicochemical variation, residue mobility, and thermodynamic stability) performed at Invitae indicates that this missense variant is not expected to disrupt ARHGEF10 protein function with a negative predictive value of 80%. In summary, the available evidence is currently insufficient to determine the role of this variant in disease. Therefore, it has been classified as a Variant of Uncertain Significance.

Breakthrough Genomics
Classification: Uncertain significance. Review status: criteria provided, single submitter. Criteria: ACMG Guidelines, 2015. Collection method: not provided. Allele origin: germline. Inheritance: Autosomal recessive inheritance. Affected: yes.